The following is an entry in ClinVar:

NM_014845.6(FIG4):c.2204C>G (p.Ala735Gly)

Gene: FIG4 (FIG4 phosphoinositide 5-phosphatase; plus strand). Cytogenetic location: 6q21.
Variant type: single nucleotide variant.
Coding change: c.2204C>G on transcript NM_014845.6 (MANE Select); coding-DNA position 2204, C replaced by G.
Protein change: p.Ala735Gly; replaces alanine 735 with glycine.
Molecular consequence: missense variant.
Genome position (GRCh38, 1-based): chr6:109,791,399, C>G. VCF-style: chr6-109791399-C-G. GRCh37 (hg19) VCF-style: chr6-110112602-C-G.
Other names: short protein forms A735G.
Identifiers: ClinVar variation 1355807 (VCV001355807.8), dbSNP rs2128397245, ClinGen allele CA365215882.
Genomic context (GRCh38, chr6:109,791,399, plus strand): 5'-TTAAAGATGCTTCACTTCCATATTATTCTTTTAAAAGAAACAAAAGCAATAGAGAAGAAG[C>G]TGTATTACAGCGGAAAACGGCAGCCAGCGCCCCGCCGCCCCCCAGCGAGGAGGCTGTGTC-3'
Protein context (NP_055660.1, residues 725-745): VLGNKSNREE[Ala735Gly]VLQRKTAASA

ClinVar aggregate classification (germline): Uncertain significance (1 of 4 stars; one submission).

Conditions:
Charcot-Marie-Tooth disease type 4. Also called: Charcot-Marie-Tooth disease, type IV; Charcot-Marie-Tooth, Type 4. Identifiers: Orphanet 64749, MedGen C4082197, MONDO:0018995.

Allele frequency attached by ClinVar (database versions not stated): gnomAD exomes below 0.00001.
gnomAD v4.1: 1 of 1,613,262 alleles (0.000062%); highest among the groups gnomAD compares: Non-Finnish European, 0.000085%; no homozygotes.

Submission:

Labcorp Genetics (formerly Invitae), Labcorp
Classification: Uncertain significance for Charcot-Marie-Tooth disease type 4. Last evaluated: 2020-12-11. Review status: criteria provided, single submitter. Criteria: Invitae Variant Classification Sherloc (09022015). Collection method: clinical testing. Allele origin: germline.
Comment: In summary, the available evidence is currently insufficient to determine the role of this variant in disease. Therefore, it has been classified as a Variant of Uncertain Significance. Algorithms developed to predict the effect of sequence changes on RNA splicing suggest that this variant may create or strengthen a splice site, but this prediction has not been confirmed by published transcriptional studies. Algorithms developed to predict the effect of missense changes on protein structure and function (SIFT, PolyPhen-2, Align-GVGD) all suggest that this variant is likely to be tolerated, but these predictions have not been confirmed by published functional studies and their clinical significance is uncertain. This variant has not been reported in the literature in individuals with FIG4-related conditions. This variant is not present in population databases (ExAC no frequency). This sequence change replaces alanine with glycine at codon 735 of the FIG4 protein (p.Ala735Gly). The alanine residue is weakly conserved and there is a small physicochemical difference between alanine and glycine.